The following is an entry in ClinVar:

NM_001134363.3(RBM20):c.1812G>A (p.Lys604=)

Gene: RBM20 (RNA binding motif protein 20; plus strand). Cytogenetic location: 10q25.2.
Variant type: single nucleotide variant.
Coding change: c.1812G>A on transcript NM_001134363.3 (MANE Select); coding-DNA position 1812, G replaced by A.
Protein change: p.Lys604=; no amino-acid change (lysine 604 retained).
Molecular consequence: synonymous variant.
Genome position (GRCh38, 1-based): chr10:110,810,394, G>A. VCF-style: chr10-110810394-G-A. GRCh37 (hg19) VCF-style: chr10-112570152-G-A.
Identifiers: ClinVar variation 227892 (VCV000227892.15), dbSNP rs751318089, ClinGen allele CA10576768.
Genomic context (GRCh38, chr10:110,810,394, plus strand): 5'-GTTTGCAAGGCCATCTCTGATCTGATGGTGATCTCTCTGACTTTGCTAGAAACCCGGGAA[G>A]GCCGTGGCTGCCATCATCCAGGACATCCATTCCCAGAGGGAGAGGGACATGTTCCGGGAA-3'
Protein context (NP_001127835.2, residues 594-614): YKELQLKKPG[Lys604=]AVAAIIQDIH

ClinVar aggregate classification (germline): Likely benign. Review status: criteria provided, multiple submitters, no conflicts (2 of 4 stars). 3 submissions from 3 submitters: Likely benign (3). Last evaluated 2025-11-04.

Conditions:
Cardiovascular phenotype. Identifiers: MedGen CN230736.
Dilated cardiomyopathy 1DD (CMD1DD). Identifiers: Orphanet 154, MedGen C2750995, MONDO:0013168, OMIM 613172.

Allele frequency attached by ClinVar (database versions not stated): gnomAD 0.00001; TOPMed 0.00003; gnomAD exomes 0.00004 and 0.00005.
gnomAD v4.1: 64 of 1,551,420 alleles (0.0041%); highest among the groups gnomAD compares: Non-Finnish European, 0.0054%; no homozygotes.

Submissions (3):

Ambry Genetics
Classification: Likely benign for Cardiovascular phenotype. Last evaluated: 2025-11-04. Review status: criteria provided, single submitter. Criteria: Ambry Variant Classification Scheme 2023. Collection method: clinical testing. Allele origin: germline.

Labcorp Genetics (formerly Invitae), Labcorp
Classification: Likely benign for Dilated cardiomyopathy 1DD. Last evaluated: 2025-10-27. Review status: criteria provided, single submitter. Criteria: Invitae Variant Classification Sherloc (09022015). Collection method: clinical testing. Allele origin: germline.

Laboratory for Molecular Medicine, Mass General Brigham Personalized Medicine
Classification: Likely benign. Last evaluated: 2015-04-07. Review status: criteria provided, single submitter. Criteria: LMM Criteria. Collection method: clinical testing. Allele origin: germline. Observed: 1 variant allele.
Comment: p.Lys604Lys in exon 8 of RBM20: This variant is not expected to have clinical si gnificance because it does not alter an amino acid residue and is not located wi thin the splice consensus sequence.